The following is an entry in ClinVar:

NM_020779.4(WDR35):c.215-6T>A

Gene: WDR35 (WD repeat domain 35; minus strand). Cytogenetic location: 2p24.1.
Variant type: single nucleotide variant.
Coding change: c.215-6T>A on transcript NM_020779.4 (MANE Select); 6 bases into the intron before coding-DNA position 215, T replaced by A.
Molecular consequence: intron variant.
Genome position (GRCh38, 1-based): chr2:19,980,789, A>T on the plus strand (T>A on the coding strand, the complement: WDR35 is on the minus strand). VCF-style: chr2-19980789-A-T. GRCh37 (hg19) VCF-style: chr2-20180550-A-T.
Other names: c.215-6T>A (NM_001006657.2).
Identifiers: ClinVar variation 4882044 (VCV004882044.2).

ClinVar aggregate classification (germline): Uncertain significance (1 of 4 stars; one submission).

gnomAD v4.1: 2 of 1,611,264 alleles (0.00012%); highest among the groups gnomAD compares: Non-Finnish European, 0.00017%; no homozygotes.

Submission:

Dasa
Classification: Uncertain significance. Last evaluated: 2025-06-20. Review status: criteria provided, single submitter. Criteria: DASA Assertion Criteria. Collection method: clinical testing. Allele origin: germline.
Comment: NM_020779.4(WDR35):c.215-6T>A is a splice-region variant. This variant is rare in population databases. Computational prediction algorithms are consistent with a deleterious effect. The currently available literature and clinical evidence are not sufficient to establish a definitive association between this variant and the reported condition. Therefore, this variant is classified as a variant of uncertain significance.